The following is an entry in ClinVar:

ClinVar aggregate classification (germline): Benign/Likely benign. Review status: criteria provided, multiple submitters, no conflicts (2 of 4 stars). 4 submissions from 4 submitters: Benign (2); Likely benign (2). Last evaluated 2025-08-26.

Conditions:
DNAH7-related disorder. Also called: DNAH7-related condition.

Allele frequency attached by ClinVar (database versions not stated): 1000 Genomes Project 0.00220; 1000 Genomes Project 30x 0.00250; TOPMed 0.00505; gnomAD exomes 0.00549 and 0.00735; ExAC 0.00563; gnomAD 0.00566 and 0.00580; ESP Exome Variant Server 0.00678.
gnomAD v4.1: 11,526 of 1,614,022 alleles (0.71%); highest among the groups gnomAD compares: Non-Finnish European, 0.84%; 56 homozygotes.

Submissions (4):

PreventionGenetics, part of Exact Sciences
Classification: Likely benign for DNAH7-related condition. Last evaluated: 2025-08-26. Review status: criteria provided, single submitter. Criteria: ACMG Guidelines, 2015. Collection method: clinical testing. Allele origin: germline.
Comment: This variant is classified as likely benign based on ACMG/AMP sequence variant interpretation guidelines (Richards et al. 2015 PMID: 25741868, with internal and published modifications).

CeGaT Center for Human Genetics Tuebingen
Classification: Likely benign. Last evaluated: 2022-08-01. Review status: criteria provided, single submitter. Criteria: CeGaT Center For Human Genetics Tuebingen Variant Classification Criteria Version 2. Collection method: clinical testing. Allele origin: germline. Affected: yes. Observed: 1 variant allele.
Comment: DNAH7: BP4, BP7, BS2

Labcorp Genetics (formerly Invitae), Labcorp
Classification: Benign. Last evaluated: 2019-12-31. Review status: criteria provided, single submitter. Criteria: Invitae Variant Classification Sherloc (09022015). Collection method: clinical testing. Allele origin: germline.

Breakthrough Genomics
Classification: Benign. Review status: criteria provided, single submitter. Criteria: ACMG Guidelines, 2015. Collection method: not provided. Allele origin: germline. Inheritance: Unknown mechanism. Affected: yes.

NM_018897.3(DNAH7):c.9567C>T (p.Ala3189=)

Gene: DNAH7 (dynein axonemal heavy chain 7; minus strand). Cytogenetic location: 2q32.3.
Variant type: single nucleotide variant.
Coding change: c.9567C>T on transcript NM_018897.3 (MANE Select); coding-DNA position 9567, C replaced by T.
Protein change: p.Ala3189=; no amino-acid change (alanine 3189 retained).
Molecular consequence: synonymous variant.
Genome position (GRCh38, 1-based): chr2:195,816,822, G>A on the plus strand (C>T on the coding strand, the complement: DNAH7 is on the minus strand). VCF-style: chr2-195816822-G-A. GRCh37 (hg19) VCF-style: chr2-196681546-G-A.
Identifiers: ClinVar variation 790341 (VCV000790341.30), dbSNP rs139963761, ClinGen allele CA2034345.